The following is an entry in ClinVar:

NM_001384732.1(CPLANE1):c.336C>T (p.Val112=)

Gene: CPLANE1 (ciliogenesis and planar polarity effector complex subunit 1; minus strand). Cytogenetic location: 5p13.2.
Variant type: single nucleotide variant.
Coding change: c.336C>T on transcript NM_001384732.1 (MANE Select); coding-DNA position 336, C replaced by T.
Protein change: p.Val112=; no amino-acid change (valine 112 retained).
Molecular consequence: synonymous variant.
Genome position (GRCh38, 1-based): chr5:37,245,480, G>A on the plus strand (C>T on the coding strand, the complement: CPLANE1 is on the minus strand). VCF-style: chr5-37245480-G-A. GRCh37 (hg19) VCF-style: chr5-37245582-G-A.
Other names: c.336C>T, p.Val112= (NM_023073.4).
Identifiers: ClinVar variation 261669 (VCV000261669.4), dbSNP rs571875820, ClinGen allele CA3239195.

ClinVar aggregate classification (germline): Conflicting classifications of pathogenicity. Review status: criteria provided, conflicting classifications (1 of 4 stars). 2 submissions from 2 submitters: Uncertain significance (1); Likely benign (1). Last evaluated 2022-04-29.

Allele frequency attached by ClinVar (database versions not stated): gnomAD exomes 0.00004; ExAC 0.00005; TOPMed 0.00008; gnomAD 0.00011 and 0.00012.
gnomAD v4.1: 125 of 1,434,258 alleles (0.0087%); highest among the groups gnomAD compares: Non-Finnish European, 0.01%; no homozygotes.

Submissions (2):

Labcorp Genetics (formerly Invitae), Labcorp
Classification: Uncertain significance. Last evaluated: 2022-04-29. Review status: criteria provided, single submitter. Criteria: Invitae Variant Classification Sherloc (09022015). Collection method: clinical testing. Allele origin: germline.
Comment: This sequence change affects codon 112 of the CPLANE1 mRNA. It is a 'silent' change, meaning that it does not change the encoded amino acid sequence of the CPLANE1 protein. It affects a nucleotide within the consensus splice site. This variant is present in population databases (rs571875820, gnomAD 0.01%). This variant has not been reported in the literature in individuals affected with CPLANE1-related conditions. ClinVar contains an entry for this variant (Variation ID: 261669). Algorithms developed to predict the effect of sequence changes on RNA splicing suggest that this variant may disrupt the consensus splice site. In summary, the available evidence is currently insufficient to determine the role of this variant in disease. Therefore, it has been classified as a Variant of Uncertain Significance.

PreventionGenetics, part of Exact Sciences
Classification: Likely benign. Review status: criteria provided, single submitter. Criteria: ACMG Guidelines, 2015. Collection method: clinical testing. Allele origin: germline.